The following is an entry in ClinVar:

ClinVar aggregate classification (germline): Uncertain significance (1 of 4 stars; one submission).

Conditions:
Hereditary cancer-predisposing syndrome. Also called: Neoplastic Syndromes, Hereditary; Hereditary Cancer Syndrome; Tumor predisposition; Hereditary neoplastic syndrome. Identifiers: Orphanet 140162, MedGen C0027672, MeSH D009386, MONDO:0015356.

Submission:

Ambry Genetics
Classification: Uncertain significance for Hereditary cancer-predisposing syndrome. Last evaluated: 2025-02-26. Review status: criteria provided, single submitter. Criteria: Ambry Variant Classification Scheme 2023. Collection method: clinical testing. Allele origin: germline.
Comment: The p.P28A variant (also known as c.82C>G), located in coding exon 1 of the RB1 gene, results from a C to G substitution at nucleotide position 82. The proline at codon 28 is replaced by alanine, an amino acid with highly similar properties. This amino acid position is conserved. In addition, the in silico prediction for this alteration is inconclusive. Based on the available evidence, the clinical significance of this variant remains unclear.

NM_000321.3(RB1):c.82C>G (p.Pro28Ala)

Gene: RB1 (RB transcriptional corepressor 1; plus strand). Cytogenetic location: 13q14.2.
Variant type: single nucleotide variant.
Coding change: c.82C>G on transcript NM_000321.3 (MANE Select); coding-DNA position 82, C replaced by G.
Protein change: p.Pro28Ala; replaces proline 28 with alanine.
Molecular consequence: missense variant.
Genome position (GRCh38, 1-based): chr13:48,303,994, C>G. VCF-style: chr13-48303994-C-G. GRCh37 (hg19) VCF-style: chr13-48878130-C-G.
Other names: c.82C>G, p.Pro28Ala (NM_001407165.1, NM_001407166.1, NM_001407167.1); short protein forms P28A.
Identifiers: ClinVar variation 3787295 (VCV003787295.1).
Genomic context (GRCh38, chr13:48,303,994, plus strand): 5'-AAAACGGCCGCCACCGCCGCCGCTGCCGCCGCGGAACCCCCGGCACCGCCGCCGCCGCCC[C>G]CTCCTGAGGAGGACCCAGAGCAGGACAGCGGCCCGGAGGACCTGCCTCTCGTCAGGTGAG-3'
Protein context (NP_000312.2, residues 18-38): AEPPAPPPPP[Pro28Ala]PEEDPEQDSG